The following is an entry in ClinVar:

ClinVar aggregate classification (germline): Uncertain significance. Review status: criteria provided, multiple submitters, no conflicts (2 of 4 stars). 6 submissions from 6 submitters: Uncertain significance (6). Last evaluated 2026-06-10.

Conditions:
PLEC-related disorder. Also called: PLEC-related condition; PLEC-related disorders.
Epidermolysis bullosa simplex 5B, with muscular dystrophy (EBS5B). Also called: EPIDERMOLYSIS BULLOSA SIMPLEX AND LIMB-GIRDLE MUSCULAR DYSTROPHY; Epidermolysis bullosa simplex with muscular dystrophy. Identifiers: Orphanet 257, MedGen C2931072, MONDO:0009181, OMIM 226670.
Epidermolysis bullosa simplex, Ogna type (EBS5A). Also called: Pidermolysis bullosa simplex 5A, Ogna type; EPIDERMOLYSIS BULLOSA SIMPLEX 5A, OGNA TYPE. Identifiers: Orphanet 79401, MedGen C0432317, MONDO:0007555, OMIM 131950.
Autosomal recessive limb-girdle muscular dystrophy type 2Q (LGMDR17). Also called: MUSCULAR DYSTROPHY, LIMB-GIRDLE, AUTOSOMAL RECESSIVE 17. Identifiers: Orphanet 254361, MedGen C3150989, MONDO:0013390, OMIM 613723.
Epidermolysis bullosa simplex with nail dystrophy (EBS5D). Identifiers: MedGen C4225309, MONDO:0014661, OMIM 616487.
Epidermolysis bullosa simplex 5C, with pyloric atresia (EBS5C). Also called: PLEC-Related Epidermolysis Bullosa with Pyloric Atresia; Epidermolysis bullosa simplex with pyloric atresia; PLEC1-Related Epidermolysis Bullosa with Pyloric Atresia. Identifiers: Orphanet 158684, MedGen C2677349, MONDO:0012807, OMIM 612138.
Inborn genetic diseases. Identifiers: MedGen C0950123, MeSH D030342.

Allele frequency attached by ClinVar (database versions not stated): gnomAD exomes 0.00004; ExAC 0.00006; ESP Exome Variant Server 0.00008; TOPMed 0.00009; gnomAD 0.00010 and 0.00011; 1000 Genomes Project 30x 0.00016; 1000 Genomes Project 0.00020.
gnomAD v4.1: 79 of 1,613,798 alleles (0.0049%); highest among the groups gnomAD compares: African/African-American, 0.0093%; no homozygotes.

Submissions (6):

PreventionGenetics, part of Exact Sciences
Classification: Uncertain significance for PLEC-related condition. Last evaluated: 2026-06-10. Review status: criteria provided, single submitter. Criteria: ACMG Guidelines, 2015. Collection method: clinical testing. Allele origin: germline.
Comment: The PLEC c.10688C>T variant is predicted to result in the amino acid substitution p.Thr3563Met. To our knowledge, this variant has not been reported in the literature. This variant is reported in 0.068% of alleles in individuals of Ashkenazi Jewish descent in gnomAD. At this time, the clinical significance of this variant is uncertain due to the absence of conclusive functional and genetic evidence.

Ambry Genetics
Classification: Uncertain significance for Inborn genetic diseases. Last evaluated: 2025-10-02. Review status: criteria provided, single submitter. Criteria: Ambry Variant Classification Scheme 2023. Collection method: clinical testing. Allele origin: germline.

Labcorp Genetics (formerly Invitae), Labcorp
Classification: Uncertain significance for Autosomal recessive limb-girdle muscular dystrophy type 2Q; Epidermolysis bullosa simplex, Ogna type; Epidermolysis bullosa simplex with nail dystrophy; Epidermolysis bullosa simplex 5C, with pyloric atresia; Epidermolysis bullosa simplex 5B, with muscular dystrophy. Last evaluated: 2025-01-28. Review status: criteria provided, single submitter. Criteria: Invitae Variant Classification Sherloc (09022015). Collection method: clinical testing. Allele origin: germline.
Comment: This sequence change replaces threonine, which is neutral and polar, with methionine, which is neutral and non-polar, at codon 3563 of the PLEC protein (p.Thr3563Met). This variant is present in population databases (rs200187936, gnomAD 0.08%). This variant has not been reported in the literature in individuals affected with PLEC-related conditions. ClinVar contains an entry for this variant (Variation ID: 196855). Invitae Evidence Modeling of protein sequence and biophysical properties (such as structural, functional, and spatial information, amino acid conservation, physicochemical variation, residue mobility, and thermodynamic stability) has been performed for this missense variant. However, the output from this modeling did not meet the statistical confidence thresholds required to predict the impact of this variant on PLEC protein function. In summary, the available evidence is currently insufficient to determine the role of this variant in disease. Therefore, it has been classified as a Variant of Uncertain Significance.

Revvity Omics, Revvity
Classification: Uncertain significance. Last evaluated: 2021-06-01. Review status: criteria provided, single submitter. Criteria: ACMG Guidelines, 2015. Collection method: clinical testing. Allele origin: germline.

Mayo Clinic Laboratories, Mayo Clinic
Classification: Uncertain significance. Last evaluated: 2020-03-24. Review status: criteria provided, single submitter. Criteria: ACMG Guidelines, 2015. Collection method: clinical testing. Allele origin: germline. Observed: 2 variant alleles.

Eurofins Ntd Llc (ga)
Classification: Uncertain significance. Last evaluated: 2015-05-04. Review status: criteria provided, single submitter. Criteria: EGL Classification Definitions 2015. Collection method: clinical testing. Allele origin: germline. Observed: 1 variant allele, 1 heterozygote.

NM_201384.3(PLEC):c.10607C>T (p.Thr3536Met)

Gene: PLEC (plectin; minus strand). Cytogenetic location: 8q24.3.
Variant type: single nucleotide variant.
Coding change: c.10607C>T on transcript NM_201384.3 (MANE Select); coding-DNA position 10607, C replaced by T.
Protein change: p.Thr3536Met; replaces threonine 3536 with methionine.
Molecular consequence: missense variant.
Genome position (GRCh38, 1-based): chr8:143,919,214, G>A on the plus strand (C>T on the coding strand, the complement: PLEC is on the minus strand). VCF-style: chr8-143919214-G-A. GRCh37 (hg19) VCF-style: chr8-144993382-G-A.
Other names: c.10688C>T (NM_000445.3); c.10688C>T, p.Thr3563Met (NM_000445.5); c.10565C>T, p.Thr3522Met (NM_201378.4); c.10541C>T, p.Thr3514Met (NM_201379.3); c.11018C>T, p.Thr3673Met (NM_201380.4); c.10511C>T, p.Thr3504Met (NM_201381.3); c.10607C>T, p.Thr3536Met (NM_201382.4); c.10619C>T, p.Thr3540Met (NM_201383.3); short protein forms T3504M, T3514M, T3522M, T3536M, T3540M, T3563M, T3673M.
Identifiers: ClinVar variation 196855 (VCV000196855.23), dbSNP rs200187936, ClinGen allele CA244595.